The following is an entry in ClinVar:

NM_000217.3(KCNA1):c.1247A>C (p.His416Pro)

Gene: KCNA1 (potassium voltage-gated channel subfamily A member 1; plus strand). Cytogenetic location: 12p13.32.
Variant type: single nucleotide variant.
Coding change: c.1247A>C on transcript NM_000217.3 (MANE Select); coding-DNA position 1247, A replaced by C.
Protein change: p.His416Pro; replaces histidine 416 with proline.
Molecular consequence: missense variant.
Genome position (GRCh38, 1-based): chr12:4,912,625, A>C. VCF-style: chr12-4912625-A-C. GRCh37 (hg19) VCF-style: chr12-5021791-A-C.
Other names: short protein forms H416P.
Identifiers: ClinVar variation 3346936 (VCV003346936.1).

ClinVar aggregate classification (germline): Uncertain significance (0 of 4 stars; one submission).

Conditions:
KCNA1-related disorder. Also called: KCNA1-related disorders; KCNA1-related condition.

Submission:

PreventionGenetics, part of Exact Sciences
Classification: Uncertain significance for KCNA1-related condition. Last evaluated: 2024-05-23. Review status: no assertion criteria provided. Collection method: clinical testing. Allele origin: germline.
Comment: The KCNA1 c.1247A>C variant is predicted to result in the amino acid substitution p.His416Pro. To our knowledge, this variant has not been reported in the literature or in a large population database, indicating this variant is rare. At this time, the clinical significance of this variant is uncertain due to the absence of conclusive functional and genetic evidence.